The following is an entry in ClinVar:

ClinVar aggregate classification (germline): Uncertain significance. Review status: criteria provided, multiple submitters, no conflicts (2 of 4 stars). 2 submissions from 2 submitters: Uncertain significance (2). Last evaluated 2024-11-01.

Conditions:
Spinocerebellar ataxia 47 (NEDMSF). Also called: PADDAS SYNDROME; neurodevelopmental disorder with motor abnormalities, seizures, and facial dysmorphism. Identifiers: Orphanet 642747, MedGen C4693672, MONDO:0033482, OMIM 620719.

Allele frequency attached by ClinVar (database versions not stated): gnomAD exomes below 0.00001; TOPMed 0.00001.
gnomAD v4.1: 3 of 1,610,336 alleles (0.00019%); highest among the groups gnomAD compares: Non-Finnish European, 0.00017%; no homozygotes.

Submissions (2):

CeGaT Center for Human Genetics Tuebingen
Classification: Uncertain significance. Last evaluated: 2024-11-01. Review status: criteria provided, single submitter. Criteria: CeGaT Center For Human Genetics Tuebingen Variant Classification Criteria Version 2. Collection method: clinical testing. Allele origin: germline. Affected: yes. Observed: 1 variant allele.
Comment: PUM1: PM2, BP4

Victorian Clinical Genetics Services, Murdoch Childrens Research Institute
Classification: Uncertain significance. Last evaluated: 2023-07-16. Review status: criteria provided, single submitter. Criteria: ACMG Guidelines, 2015. Collection method: clinical testing. Allele origin: germline. Inheritance: Autosomal dominant inheritance. Affected: yes.
Comment: Based on the classification scheme VCGS_Germline_v1.3.4, this variant is classified as VUS-3C. Following criteria are met: 0102 - Loss of function is a known mechanism of disease in this gene and is associated with spinocerebellar ataxia 47 (MIM#617931). (I) 0107 - This gene is associated with autosomal dominant disease. (I) 0200 - Variant is predicted to result in a missense amino acid change from alanine to valine. (I) 0251 - This variant is heterozygous. (I) 0301 - Variant is absent from gnomAD (both v2 and v3). (SP) 0309 - An alternative amino acid change at the same position has been observed in gnomAD (v2) (1 heterozygote, 0 homozygotes). (I) 0503 - Missense variant consistently predicted to be tolerated by multiple in silico tools or not conserved in placental mammals with a minor amino acid change. (SB) 0604 - Variant is not located in an established domain, motif, hotspot or informative constraint region. (I) 0705 - No comparable missense variants have previous evidence for pathogenicity. (I) 0807 - This variant has no previous evidence of pathogenicity. (I) 0905 - No published segregation evidence has been identified for this variant. (I) 1007 - No published functional evidence has been identified for this variant. (I) 1208 - Inheritance information for this variant is not currently available in this individual. (I) Legend: (SP) - Supporting pathogenic, (I) - Information, (SB) - Supporting benign

NM_001020658.2(PUM1):c.1448C>T (p.Ala483Val)

Gene: PUM1 (pumilio RNA binding family member 1; minus strand). Cytogenetic location: 1p35.2.
Variant type: single nucleotide variant.
Coding change: c.1448C>T on transcript NM_001020658.2 (MANE Select); coding-DNA position 1448, C replaced by T.
Protein change: p.Ala483Val; replaces alanine 483 with valine.
Molecular consequence: missense variant.
Genome position (GRCh38, 1-based): chr1:30,974,709, G>A on the plus strand (C>T on the coding strand, the complement: PUM1 is on the minus strand). VCF-style: chr1-30974709-G-A. GRCh37 (hg19) VCF-style: chr1-31447556-G-A.
Other names: c.1448C>T, p.Ala483Val (NM_014676.3); short protein forms A483V.
Identifiers: ClinVar variation 3254882 (VCV003254882.15), dbSNP rs922793708.